The following is an entry in ClinVar:

NM_004304.5(ALK):c.3451-5C>G

Gene: ALK (ALK receptor tyrosine kinase; minus strand). Cytogenetic location: 2p23.2.
Variant type: single nucleotide variant.
Coding change: c.3451-5C>G on transcript NM_004304.5 (MANE Select); 5 bases into the intron before coding-DNA position 3451, C replaced by G.
Molecular consequence: intron variant.
Genome position (GRCh38, 1-based): chr2:29,222,413, G>C on the plus strand (C>G on the coding strand, the complement: ALK is on the minus strand). VCF-style: chr2-29222413-G-C. GRCh37 (hg19) VCF-style: chr2-29445279-G-C.
Other names: c.247-5C>G (NM_001353765.2).
Identifiers: ClinVar variation 4870584 (VCV004870584.1).

ClinVar aggregate classification (germline): Uncertain significance (1 of 4 stars; one submission).

Conditions:
Hereditary cancer-predisposing syndrome. Also called: Neoplastic Syndromes, Hereditary; Tumor predisposition; Hereditary Cancer Syndrome; Hereditary neoplastic syndrome. Identifiers: Orphanet 140162, MedGen C0027672, MeSH D009386, MONDO:0015356.

Submission:

Ambry Genetics
Classification: Uncertain significance for Hereditary cancer-predisposing syndrome. Last evaluated: 2026-06-12. Review status: criteria provided, single submitter. Criteria: Ambry Variant Classification Scheme 2023. Collection method: clinical testing. Allele origin: germline.
Comment: The c.3451-5C>G intronic variant results from a C to G substitution 5 nucleotides upstream from coding exon 22 in the ALK gene. This nucleotide position is not well conserved in available vertebrate species. In silico splice site analysis predicts that this alteration will not have any significant effect on splicing. Based on the available evidence, the clinical significance of this variant remains unclear.